The following is an entry in ClinVar:

NM_001040142.2(SCN2A):c.3359A>G (p.Glu1120Gly)

Gene: SCN2A (sodium voltage-gated channel alpha subunit 2; plus strand). Cytogenetic location: 2q24.3.
Variant type: single nucleotide variant.
Coding change: c.3359A>G on transcript NM_001040142.2 (MANE Select); coding-DNA position 3359, A replaced by G.
Protein change: p.Glu1120Gly; replaces glutamic acid 1120 with glycine.
Molecular consequence: missense variant.
Genome position (GRCh38, 1-based): chr2:165,354,631, A>G. VCF-style: chr2-165354631-A-G. GRCh37 (hg19) VCF-style: chr2-166211141-A-G.
Other names: c.3359A>G, p.Glu1120Gly (NM_001040143.2, NM_001371246.1, NM_001371247.1 and 1 more transcripts); short protein forms E1120G.
Identifiers: ClinVar variation 1004505 (VCV001004505.9), dbSNP rs1700088503, ClinGen allele CA349021980.

ClinVar aggregate classification (germline): Uncertain significance (1 of 4 stars; one submission).

Conditions:
Seizures, benign familial infantile, 3 (BFIS3). Also called: Familial neonatal seizures; CONVULSIONS, BENIGN FAMILIAL INFANTILE, 3. Identifiers: Orphanet 140927, Orphanet 306, MedGen C1843140, MONDO:0011904, OMIM 607745.
Developmental and epileptic encephalopathy, 11 (DEE11). Also called: Early infantile epileptic encephalopathy 11. Identifiers: Orphanet 1934, MedGen C3150987, MONDO:0013388, OMIM 613721.

Submission:

Labcorp Genetics (formerly Invitae), Labcorp
Classification: Uncertain significance for Seizures, benign familial infantile, 3; Developmental and epileptic encephalopathy, 11. Last evaluated: 2022-11-08. Review status: criteria provided, single submitter. Criteria: Invitae Variant Classification Sherloc (09022015). Collection method: clinical testing. Allele origin: germline.
Comment: This sequence change replaces glutamic acid, which is acidic and polar, with glycine, which is neutral and non-polar, at codon 1120 of the SCN2A protein (p.Glu1120Gly). In summary, the available evidence is currently insufficient to determine the role of this variant in disease. Therefore, it has been classified as a Variant of Uncertain Significance. Advanced modeling of protein sequence and biophysical properties (such as structural, functional, and spatial information, amino acid conservation, physicochemical variation, residue mobility, and thermodynamic stability) performed at Invitae indicates that this missense variant is expected to disrupt SCN2A protein function. ClinVar contains an entry for this variant (Variation ID: 1004505). This variant has not been reported in the literature in individuals affected with SCN2A-related conditions. This variant is not present in population databases (gnomAD no frequency).